The following is an entry in ClinVar:

NM_000257.4(MYH7):c.895+3G>A

Gene: MYH7 (myosin heavy chain 7; minus strand). Cytogenetic location: 14q11.2.
Variant type: single nucleotide variant.
Coding change: c.895+3G>A on transcript NM_000257.4 (MANE Select); 3 bases into the intron after coding-DNA position 895, G replaced by A.
Molecular consequence: intron variant.
Genome position (GRCh38, 1-based): chr14:23,430,898, C>T on the plus strand (G>A on the coding strand, the complement: MYH7 is on the minus strand). VCF-style: chr14-23430898-C-T. GRCh37 (hg19) VCF-style: chr14-23900107-C-T.
Identifiers: ClinVar variation 641754 (VCV000641754.4), dbSNP rs1338735834, ClinGen allele CA612938305.

ClinVar aggregate classification (germline): Uncertain significance (1 of 4 stars; one submission).

Conditions:
Hypertrophic cardiomyopathy. Also called: HYPERTROPHIC MYOCARDIOPATHY. Identifiers: Orphanet 217569, MedGen C0007194, MeSH D002312, MONDO:0005045, HP:0001639.

Allele frequency attached by ClinVar (database versions not stated): gnomAD exomes below 0.00001.
gnomAD v4.1: 5 of 1,609,342 alleles (0.00031%); highest among the groups gnomAD compares: East Asian, 0.0022%; no homozygotes.

Submission:

Labcorp Genetics (formerly Invitae), Labcorp
Classification: Uncertain significance for Hypertrophic cardiomyopathy. Last evaluated: 2025-07-06. Review status: criteria provided, single submitter. Criteria: Invitae Variant Classification Sherloc (09022015). Collection method: clinical testing. Allele origin: germline.
Comment: This sequence change falls in intron 10 of the MYH7 gene. It does not directly change the encoded amino acid sequence of the MYH7 protein. It affects a nucleotide within the consensus splice site. This variant is present in population databases (no rsID available, gnomAD 0.006%). This variant has not been reported in the literature in individuals affected with MYH7-related conditions. ClinVar contains an entry for this variant (Variation ID: 641754). Variants that disrupt the consensus splice site are a relatively common cause of aberrant splicing (PMID: 17576681, 9536098). Algorithms developed to predict the effect of sequence changes on RNA splicing suggest that this variant is not likely to affect RNA splicing. In summary, the available evidence is currently insufficient to determine the role of this variant in disease. Therefore, it has been classified as a Variant of Uncertain Significance.

Literature cited by the submitters: PubMed 17576681; PubMed 9536098.